The following is an entry in ClinVar:

NM_006005.3(WFS1):c.1543TTC[1] (p.Phe516del)

Gene: WFS1 (wolframin ER transmembrane glycoprotein; plus strand). Cytogenetic location: 4p16.1.
Variant type: Microsatellite.
Coding change: c.1543TTC[1] on transcript NM_006005.3 (MANE Select); one copy of the 3-base unit TTC starting at c.1543; the reference has two copies in a row; one copy, 3 bases deleted; also written c.1546_1548del.
Protein change: p.Phe516del; deletes phenylalanine 516.
Molecular consequence: inframe deletion.
Genome position (GRCh38, 1-based): chr4:6,301,341-6,301,343, TTC deleted; deleting any 3 consecutive bases within chr4:6,301,336-6,301,343 gives the same sequence; the position shown is the placement nearest the transcript's 3' end. VCF-style (leftmost placement, unchanged base first): chr4-6301335-CTCT-C. GRCh37 (hg19) VCF-style: chr4-6303062-CTCT-C.
Other names: c.1543TTC[1], p.Phe516del (NM_001145853.1); c.1546_1548del (NM_006005.3); short protein forms F516del.
Identifiers: ClinVar variation 1298955 (VCV001298955.38), dbSNP rs777904670, ClinGen allele CA2839396.

ClinVar aggregate classification (germline): Pathogenic/Likely pathogenic. Review status: criteria provided, multiple submitters, no conflicts (2 of 4 stars). 4 submissions from 4 submitters: Pathogenic (2); Likely pathogenic (2). Last evaluated 2023-04-20.

Conditions:
Autosomal dominant nonsyndromic hearing loss 6 (LFSNHL). Also called: DEAFNESS, AUTOSOMAL DOMINANT 6; DEAFNESS, AUTOSOMAL DOMINANT 14; DEAFNESS, AUTOSOMAL DOMINANT 38; Autosomal dominant nonsyndromic deafness 6. Identifiers: Orphanet 90635, MedGen C1833021, MONDO:0010963, OMIM 600965.
Type 2 diabetes mellitus. Also called: Type II diabetes mellitus. Identifiers: MedGen C0011860, MeSH D003924, MONDO:0005148, OMIM 125853, HP:0005978.
Cataract 41 (CTRCT41). Also called: CATARACT 41, CONGENITAL NUCLEAR TYPE. Identifiers: Orphanet 91492, Orphanet 98991, Orphanet 98992, Orphanet 98995, MedGen C3805412, MONDO:0007287, OMIM 116400.
Wolfram syndrome 1 (WFS1). Identifiers: Orphanet 3463, MedGen C4551693, MONDO:0009101, OMIM 222300.
Wolfram-like syndrome. Also called: HEARING LOSS, PROGRESSIVE, WITH OPTIC ATROPHY AND/OR IMPAIRED GLUCOSE REGULATION. Identifiers: Orphanet 411590, MedGen C3280358, MONDO:0013673, OMIM 614296.
WFS1-related disorder. Identifiers: MedGen CN379391, MONDO:0700293.

Submissions (4):

Blueprint Genetics
Classification: Pathogenic for WFS1-related disorders. Last evaluated: 2023-04-20. Review status: criteria provided, single submitter. Criteria: ACMG Guidelines, 2015. Collection method: clinical testing. Allele origin: germline. Affected: yes. Observed: 1 variant allele.

GeneDx
Classification: Likely pathogenic. Last evaluated: 2022-12-08. Review status: criteria provided, single submitter. Criteria: GeneDx Variant Classification Process June 2021. Collection method: clinical testing. Allele origin: germline. Affected: yes.
Comment: In-frame deletion of one amino acid in a non-repeat region; Not observed at significant frequency in large population cohorts (gnomAD); Also known as c.1246delTTC, c.1716_1718delTTC, p.del516Phe; This variant is associated with the following publications: (PMID: 34416374, 20738327, 12754709, 31600780, 24497219)

Fulgent Genetics
Classification: Likely pathogenic for Cataract 41; Type 2 diabetes mellitus; Wolfram syndrome 1; Autosomal dominant nonsyndromic hearing loss 6; Wolfram-like syndrome. Last evaluated: 2022-05-14. Review status: criteria provided, single submitter. Criteria: ACMG Guidelines, 2015. Collection method: clinical testing. Allele origin: unknown.

CeGaT Center for Human Genetics Tuebingen
Classification: Pathogenic. Last evaluated: 2021-07-01. Review status: criteria provided, single submitter. Criteria: CeGaT Center For Human Genetics Tuebingen Variant Classification Criteria Version 2. Collection method: clinical testing. Allele origin: germline. Affected: yes. Observed: 1 variant allele.